The following is an entry in ClinVar:

ClinVar aggregate classification (germline): Pathogenic (3 of 4 stars; one submission).

Conditions:
Breast-ovarian cancer, familial, susceptibility to, 2 (BROVCA2). Also called: BRCA2 Hereditary Breast and Ovarian Cancer. Identifiers: Orphanet 145, MedGen C2675520, MONDO:0012933, OMIM 612555. Disease mechanism: loss of function.

Submission:

Evidence-based Network for the Interpretation of Germline Mutant Alleles (ENIGMA)
Classification: Pathogenic for Breast-ovarian cancer, familial, susceptibility to, 2. Last evaluated: 2017-12-15. Review status: reviewed by expert panel. Criteria: ENIGMA BRCA1/2 Classification Criteria (2017-06-29). Collection method: curation. Allele origin: germline. Study: ENIGMA.
Comment: Variant allele predicted to encode a truncated non-functional protein.

NM_000059.4(BRCA2):c.5606_5607insC (p.Ser1871fs)

Gene: BRCA2 (BRCA2 DNA repair associated; plus strand). Cytogenetic location: 13q13.1.
Variant type: Insertion.
Coding change: c.5606_5607insC on transcript NM_000059.4 (MANE Select); coding-DNA positions 5606 to 5607, C inserted.
Protein change: p.Ser1871fs; shifts the reading frame from serine 1871.
Molecular consequence: frameshift variant.
Genome position: GRCh38 VCF-style: chr13-32339961-G-GC. GRCh37 (hg19) VCF-style: chr13-32914098-G-GC.
Other names: short protein forms S1871fs.
Identifiers: ClinVar variation 548416 (VCV000548416.1), dbSNP rs1555284298, ClinGen allele CA658823657.
Genomic context (GRCh38, chr13:32,339,961, plus strand): 5'-GTAAAATCGTTTGTGTTTCACATGAAACAATTAAAAAAGTGAAAGACATATTTACAGACA[G>GC]TTTCAGTAAAGTAATTAAGGAAAACAACGAGAATAAATCAAAAATTTGCCAAACGAAAAT-3'